The following is an entry in ClinVar:

NM_004393.6(DAG1):c.2072C>T (p.Ala691Val)

Gene: DAG1 (dystroglycan 1; plus strand). Cytogenetic location: 3p21.31.
Variant type: single nucleotide variant.
Coding change: c.2072C>T on transcript NM_004393.6 (MANE Select); coding-DNA position 2072, C replaced by T.
Protein change: p.Ala691Val; replaces alanine 691 with valine.
Molecular consequence: missense variant.
Genome position (GRCh38, 1-based): chr3:49,532,583, C>T. VCF-style: chr3-49532583-C-T. GRCh37 (hg19) VCF-style: chr3-49570016-C-T.
Other names: c.2072C>T, p.Ala691Val (NM_001165928.4, NM_001177634.3, NM_001177635.3 and 9 more transcripts); short protein forms A691V.
Identifiers: ClinVar variation 2001653 (VCV002001653.4), dbSNP rs2472650032, ClinGen allele CA352796749.

ClinVar aggregate classification (germline): Uncertain significance (1 of 4 stars; one submission).

Conditions:
Muscular dystrophy-dystroglycanopathy (congenital with brain and eye anomalies), type A9. Also called: WALKER-WARBURG SYNDROME OR MUSCLE-EYE BRAIN DISEASE, DAG1-RELATED; Muscular dystrophy-dystroglycanopathy (congenital with brain and eye anomalies), type a, 9. Identifiers: Orphanet 370997, Orphanet 899, MedGen C4225291, MONDO:0014683, OMIM 616538.
Autosomal recessive limb-girdle muscular dystrophy type 2P. Also called: MUSCULAR DYSTROPHY-DYSTROGLYCANOPATHY, LIMB-GIRDLE, DAG1-RELATED; Limb-Girdle Muscular Dystrophy Type 9C; MUSCULAR DYSTROPHY, LIMB-GIRDLE, TYPE 2P. Identifiers: Orphanet 280333, MedGen C4511963, MONDO:0013440, OMIM 613818.

Submission:

Labcorp Genetics (formerly Invitae), Labcorp
Classification: Uncertain significance for Autosomal recessive limb-girdle muscular dystrophy type 2P; Muscular dystrophy-dystroglycanopathy (congenital with brain and eye anomalies), type A9. Last evaluated: 2022-06-01. Review status: criteria provided, single submitter. Criteria: Invitae Variant Classification Sherloc (09022015). Collection method: clinical testing. Allele origin: germline.
Comment: In summary, the available evidence is currently insufficient to determine the role of this variant in disease. Therefore, it has been classified as a Variant of Uncertain Significance. This sequence change replaces alanine, which is neutral and non-polar, with valine, which is neutral and non-polar, at codon 691 of the DAG1 protein (p.Ala691Val). This variant is not present in population databases (gnomAD no frequency). This variant has not been reported in the literature in individuals affected with DAG1-related conditions. Algorithms developed to predict the effect of missense changes on protein structure and function output the following: SIFT: "Tolerated"; PolyPhen-2: "Benign"; Align-GVGD: "Class C0". The valine amino acid residue is found in multiple mammalian species, which suggests that this missense change does not adversely affect protein function.